The following is an entry in ClinVar:

ClinVar aggregate classification (germline): Uncertain significance (1 of 4 stars; one submission).

Conditions:
Rienhoff syndrome. Also called: LOEYS-DIETZ SYNDROME 5. Identifiers: MedGen C3810012, MONDO:0014262, OMIM 615582.

Submission:

Labcorp Genetics (formerly Invitae), Labcorp
Classification: Uncertain significance for Rienhoff syndrome. Last evaluated: 2020-02-06. Review status: criteria provided, single submitter. Criteria: Invitae Variant Classification Sherloc (09022015). Collection method: clinical testing. Allele origin: germline.
Comment: In summary, the available evidence is currently insufficient to determine the role of this variant in disease. Therefore, it has been classified as a Variant of Uncertain Significance. Algorithms developed to predict the effect of missense changes on protein structure and function are either unavailable or do not agree on the potential impact of this missense change (SIFT: "Tolerated"; PolyPhen-2: "Probably Damaging"; Align-GVGD: "Class C0"). This variant has not been reported in the literature in individuals with TGFB3-related conditions. This variant is not present in population databases (ExAC no frequency). This sequence change replaces isoleucine with phenylalanine at codon 47 of the TGFB3 protein (p.Ile47Phe). The isoleucine residue is highly conserved and there is a small physicochemical difference between isoleucine and phenylalanine.

NM_003239.5(TGFB3):c.139A>T (p.Ile47Phe)

Gene: TGFB3 (transforming growth factor beta 3; minus strand). Cytogenetic location: 14q24.3.
Variant type: single nucleotide variant.
Coding change: c.139A>T on transcript NM_003239.5 (MANE Select); coding-DNA position 139, A replaced by T.
Protein change: p.Ile47Phe; replaces isoleucine 47 with phenylalanine.
Molecular consequence: missense variant.
Genome position (GRCh38, 1-based): chr14:75,980,755, T>A on the plus strand (A>T on the coding strand, the complement: TGFB3 is on the minus strand). VCF-style: chr14-75980755-T-A. GRCh37 (hg19) VCF-style: chr14-76447098-T-A.
Other names: c.139A>T, p.Ile47Phe (NM_001329938.2, NM_001329939.2); short protein forms I47F.
Identifiers: ClinVar variation 1051657 (VCV001051657.47), dbSNP rs2140254535, ClinGen allele CA390471571.